The following is an entry in ClinVar:

NM_000548.5(TSC2):c.1257+11del

Gene: TSC2 (TSC complex subunit 2; plus strand). Cytogenetic location: 16p13.3.
Variant type: Deletion.
Coding change: c.1257+11del on transcript NM_000548.5 (MANE Select); 11 bases into the intron after coding-DNA position 1257, one base deleted (C; older notation c.1257+11delC).
Molecular consequence: intron variant.
Genome position (GRCh38, 1-based): chr16:2,062,019, C deleted; the last of 5 consecutive C bases (chr16:2,062,015-2,062,019); deleting any one gives the same sequence. VCF-style (leftmost placement, unchanged base first): chr16-2062014-AC-A. GRCh37 (hg19) VCF-style: chr16-2112015-AC-A.
Other names: c.1257+11del (NM_001114382.3, NM_021055.3, NM_001370405.1 and 3 more transcripts); c.1146+11del (NM_001318827.2); c.657+11del (NM_001318831.2); c.1110+11del (NM_001318829.2); c.1290+11del (NM_001318832.2).
Identifiers: ClinVar variation 2020346 (VCV002020346.5), dbSNP rs2548539096, ClinGen allele CA2580090740.

ClinVar aggregate classification (germline): Benign/Likely benign. Review status: criteria provided, multiple submitters, no conflicts (2 of 4 stars). 2 submissions from 2 submitters: Benign (1); Likely benign (1). Last evaluated 2023-06-26.

Conditions:
Tuberous sclerosis syndrome (TSC). Also called: Tuberous Sclerosis Complex; Tuberous sclerosis. Identifiers: Orphanet 805, MedGen C0041341, MONDO:0001734.
Tuberous sclerosis 2 (TSC2). Identifiers: Orphanet 805, MedGen C1860707, MONDO:0013199, OMIM 613254.

Submissions (2):

All of Us Research Program, National Institutes of Health
Classification: Likely benign for Tuberous sclerosis syndrome. Last evaluated: 2023-06-26. Review status: criteria provided, single submitter. Criteria: ACMG Guidelines, 2015. Collection method: clinical testing. Allele origin: germline. Inheritance: Autosomal dominant inheritance. Observed: 1 variant allele, 1 heterozygote.
Comment: This study involves interpretation of variants in research participants for the purpose of population health screening. Participant phenotype was not available at the time of variant classification. Additional details can be found in publication PMID: 35346344, PMCID: PMC8962531

Labcorp Genetics (formerly Invitae), Labcorp
Classification: Benign for Tuberous sclerosis 2. Last evaluated: 2022-10-05. Review status: criteria provided, single submitter. Criteria: Invitae Variant Classification Sherloc (09022015). Collection method: clinical testing. Allele origin: germline.